The following is an entry in ClinVar:

ClinVar aggregate classification (germline): Likely benign. Review status: criteria provided, multiple submitters, no conflicts (2 of 4 stars). 3 submissions from 3 submitters: Likely benign (3). Last evaluated 2026-05-20.

Conditions:
Cardiovascular phenotype. Identifiers: MedGen CN230736.

gnomAD v4.1: 27 of 1,550,030 alleles (0.0017%); highest among the groups gnomAD compares: Non-Finnish European, 0.0022%; no homozygotes.

Submissions (3):

Ambry Genetics
Classification: Likely benign for Cardiovascular phenotype. Last evaluated: 2026-05-20. Review status: criteria provided, single submitter. Criteria: Ambry Variant Classification Scheme 2023. Collection method: clinical testing. Allele origin: germline.

Labcorp Genetics (formerly Invitae), Labcorp
Classification: Likely benign. Last evaluated: 2024-02-03. Review status: criteria provided, single submitter. Criteria: Invitae Variant Classification Sherloc (09022015). Collection method: clinical testing. Allele origin: germline.

GeneDx
Classification: Likely benign. Last evaluated: 2020-09-01. Review status: criteria provided, single submitter. Criteria: GeneDx Variant Classification Process June 2021. Collection method: clinical testing. Allele origin: germline. Affected: yes.
Comment: See Variant Classification Assertion Criteria.

NM_001367624.2(ZNF469):c.11124C>T (p.Pro3708=)

Gene: ZNF469 (zinc finger protein 469; plus strand). Cytogenetic location: 16q24.2.
Variant type: single nucleotide variant.
Coding change: c.11124C>T on transcript NM_001367624.2 (MANE Select); coding-DNA position 11124, C replaced by T.
Protein change: p.Pro3708=; no amino-acid change (proline 3708 retained).
Molecular consequence: synonymous variant.
Genome position (GRCh38, 1-based): chr16:88,438,594, C>T. VCF-style: chr16-88438594-C-T. GRCh37 (hg19) VCF-style: chr16-88505002-C-T.
Other names: NM_001127464.1:c.11040C>T.
Identifiers: ClinVar variation 2987951 (VCV002987951.5), dbSNP rs753986673, ClinGen allele CA8225584.
Genomic context (GRCh38, chr16:88,438,594, plus strand): 5'-CCCCAGCAAAGCACTCAAGTTCCCAGTGCACCCAAGGAAGGCGGTGGGGAGCCTGGCACC[C>T]GGGGAGCTGGCCCGTGGCACAGAGAATGGGATGAAGCCCGCCACCCCCAAAGCCAAACCC-3'
Protein context (NP_001354553.1, residues 3698-3718): HPRKAVGSLA[Pro3708=]GELARGTENG